The following is an entry in ClinVar:

ClinVar aggregate classification (germline): Uncertain significance. Review status: criteria provided, multiple submitters, no conflicts (2 of 4 stars). 4 submissions from 4 submitters: Uncertain significance (4). Last evaluated 2025-09-24.

Conditions:
Sandhoff disease. Also called: GM2-GANGLIOSIDOSIS, TYPE II; HEXOSAMINIDASES A AND B DEFICIENCY; Beta-hexosaminidase-beta-subunit deficiency; GM2 gangliosidosis, type 2; Total hexosaminidase deficiency; Sandhoff-Jatzkewitz-Pilz disease. Identifiers: Orphanet 796, MedGen C0036161, MONDO:0010006, OMIM 268800.
HEXB-related disorder. Also called: HEXB-related condition.
Inborn genetic diseases. Identifiers: MedGen C0950123, MeSH D030342.

Allele frequency attached by ClinVar (database versions not stated): gnomAD exomes below 0.00001.
gnomAD v4.1: 1 of 1,534,170 alleles (0.000065%); highest among the groups gnomAD compares: South Asian, 0.0011%; no homozygotes.

Submissions (4):

PreventionGenetics, part of Exact Sciences
Classification: Uncertain significance for HEXB-related condition. Last evaluated: 2025-09-24. Review status: criteria provided, single submitter. Criteria: ACMG Guidelines, 2015. Collection method: clinical testing. Allele origin: germline.
Comment: The HEXB c.766A>C variant is predicted to result in the amino acid substitution p.Asn256His. To our knowledge, this variant has not been reported in the literature or in a large population database (gnomAD), indicating this variant is rare. At this time, the clinical significance of this variant is uncertain due to the absence of conclusive functional and genetic evidence.

Ambry Genetics
Classification: Uncertain significance for Inborn genetic diseases. Last evaluated: 2021-08-12. Review status: criteria provided, single submitter. Criteria: Ambry Variant Classification Scheme 2023. Collection method: clinical testing. Allele origin: germline.

Breakthrough Genomics
Classification: Uncertain significance. Review status: criteria provided, single submitter. Criteria: ACMG Guidelines, 2015. Collection method: not provided. Allele origin: germline. Inheritance: Autosomal recessive inheritance. Affected: yes.

Neuberg Centre For Genomic Medicine, NCGM
Classification: Uncertain significance for Sandhoff disease. Review status: criteria provided, single submitter. Criteria: ACMG Guidelines, 2015. Collection method: clinical testing. Allele origin: germline. Affected: yes.
Comment: The missense variant p.N256H in HEXB (NM_000521.4) has not been reported previously as a pathogenic variant nor as a benign variant, to our knowledge. The p.N256H variant is novel (not in any individuals) in gnomAD Exomes and is novel (not in any individuals) in 1000 Genomes. In silico tools are contradictory in their predictions and the residue is not conserved across species. For these reasons, this variant has been classified as Uncertain Significance.

NM_000521.4(HEXB):c.766A>C (p.Asn256His)

Gene: HEXB (hexosaminidase subunit beta; plus strand). Cytogenetic location: 5q13.3.
Variant type: single nucleotide variant.
Coding change: c.766A>C on transcript NM_000521.4 (MANE Select); coding-DNA position 766, A replaced by C.
Protein change: p.Asn256His; replaces asparagine 256 with histidine.
Molecular consequence: missense variant.
Genome position (GRCh38, 1-based): chr5:74,705,315, A>C. VCF-style: chr5-74705315-A-C. GRCh37 (hg19) VCF-style: chr5-74001140-A-C.
Other names: c.91A>C, p.Asn31His (NM_001292004.2); c.766A>C (NM_000521.3); short protein forms N256H, N31H.
Identifiers: ClinVar variation 1339097 (VCV001339097.7), dbSNP rs2112156485, ClinGen allele CA360065794.